The following is an entry in ClinVar:

NM_001142800.2(EYS):c.5868del (p.Phe1956fs)

Gene: EYS (EGF-like photoreceptor maintenance factor; minus strand). Cytogenetic location: 6q12.
Variant type: Deletion.
Coding change: c.5868del on transcript NM_001142800.2 (MANE Select); coding-DNA position 5868, one base deleted (T; older notation c.5868delT).
Protein change: p.Phe1956fs; shifts the reading frame from phenylalanine 1956.
Molecular consequence: frameshift variant.
Genome position (GRCh38, 1-based): chr6:64,436,233, A deleted on the plus strand (T on the coding strand, the reverse complement: EYS is on the minus strand); the first of 3 consecutive A bases (chr6:64,436,233-64,436,235); deleting any one gives the same sequence. VCF-style (leftmost placement, unchanged base first): chr6-64436232-TA-T. GRCh37 (hg19) VCF-style: chr6-65146125-TA-T.
Other names: c.5868del, p.Phe1956fs (NM_001292009.2); c.5868del (NM_001142800.1); short protein forms F1956fs.
Identifiers: ClinVar variation 4081650 (VCV004081650.2).

ClinVar aggregate classification (germline): Pathogenic/Likely pathogenic. Review status: criteria provided, multiple submitters, no conflicts (2 of 4 stars). 2 submissions from 2 submitters: Pathogenic (1); Likely pathogenic (1). Last evaluated 2026-01-26.

Conditions:
Retinitis pigmentosa 25 (RP25). Identifiers: Orphanet 791, MedGen C1864446, MONDO:0011272, OMIM 602772.

Submissions (2):

Natera, Inc.
Classification: Likely pathogenic for Retinitis pigmentosa type 25. Last evaluated: 2026-01-26. Review status: criteria provided, single submitter. Criteria: Natera Variant Classification Schema (03/2026). Collection method: clinical testing. Allele origin: germline.
Comment: The c.5868del variant in EYS is a frameshift variant predicted to shift the reading frame beginning at codon 1956 and leads to a stop codon 31 codons downstream. This variant is expected to result in nonsense mediated decay, truncation, or a dysfunctional protein product. This variant is rare in the general population with a frequency below the threshold expected for the associated phenotype(s). Given the available evidence, this variant is classified as Likely Pathogenic.

Myriad Genetics, Inc.
Classification: Pathogenic for Retinitis pigmentosa 25. Last evaluated: 2025-04-22. Review status: criteria provided, single submitter. Criteria: Myriad Autosomal Dominant, Autosomal Recessive and X-Linked Classification Criteria (2023). Collection method: clinical testing. Allele origin: unknown.
Comment: NM_001142800.1(EYS):c.5868delT(F1956Lfs*31) is a frameshift variant classified as pathogenic in the context of retinitis pigmentosa, EYS-related. F1956Lfs*31 has not been observed in cases with relevant disease. Relevant functional assessments of this variant are not available in the literature. F1956Lfs*31 has not been observed in referenced population frequency databases. In summary, NM_001142800.1(EYS):c.5868delT(F1956Lfs*31) is a frameshift variant in a gene where loss of function is a known mechanism of disease and is predicted to disrupt protein function. Please note: this variant was assessed in the context of healthy population screening.